The following is an entry in ClinVar:

NM_000350.3(ABCA4):c.2294G>A (p.Ser765Asn)

Gene: ABCA4 (ATP binding cassette subfamily A member 4; minus strand). Cytogenetic location: 1p22.1.
Variant type: single nucleotide variant.
Coding change: c.2294G>A on transcript NM_000350.3 (MANE Select); coding-DNA position 2294, G replaced by A.
Protein change: p.Ser765Asn; replaces serine 765 with asparagine.
Molecular consequence: missense variant.
Genome position (GRCh38, 1-based): chr1:94,056,689, C>T on the plus strand (G>A on the coding strand, the complement: ABCA4 is on the minus strand). VCF-style: chr1-94056689-C-T. GRCh37 (hg19) VCF-style: chr1-94522245-C-T.
Other names: short protein forms S765N.
Identifiers: ClinVar variation 99125 (VCV000099125.13), dbSNP rs61749429, ClinGen allele CA226988.

ClinVar aggregate classification (germline): Pathogenic/Likely pathogenic. Review status: criteria provided, multiple submitters, no conflicts (2 of 4 stars). 6 submissions from 6 submitters: Pathogenic (1); Likely pathogenic (2). 3 of the submissions do not count toward it. Last evaluated 2025-07-28.

Conditions:
ABCA4-related disorder. Also called: ABCA4-related disorders; ABCA4-related condition. Identifiers: MedGen CN239167.
Stargardt disease (FFM). Also called: Fundus flavimaculatus; Stargardt's disease. Identifiers: Orphanet 827, MedGen C0271093, MONDO:0019353.

Submissions (6):

Labcorp Genetics (formerly Invitae), Labcorp
Classification: Pathogenic. Last evaluated: 2025-07-28. Review status: criteria provided, single submitter. Criteria: Invitae Variant Classification Sherloc (09022015). Collection method: clinical testing. Allele origin: germline.
Comment: This sequence change replaces serine, which is neutral and polar, with asparagine, which is neutral and polar, at codon 765 of the ABCA4 protein (p.Ser765Asn). This variant is not present in population databases (gnomAD no frequency). This missense change has been observed in individual(s) with Stargardt disease (PMID: 11328725, 31456290; internal data). In at least one individual the data is consistent with being in trans (on the opposite chromosome) from a pathogenic variant. ClinVar contains an entry for this variant (Variation ID: 99125). Invitae Evidence Modeling of protein sequence and biophysical properties (such as structural, functional, and spatial information, amino acid conservation, physicochemical variation, residue mobility, and thermodynamic stability) indicates that this missense variant is expected to disrupt ABCA4 protein function with a positive predictive value of 95%. Experimental studies have shown that this missense change affects ABCA4 function (PMID: 33375396). For these reasons, this variant has been classified as Pathogenic.

Blueprint Genetics
Classification: Likely pathogenic for ABCA4-related disorders. Last evaluated: 2024-08-19. Review status: criteria provided, single submitter. Criteria: ACMG Guidelines, 2015. Collection method: clinical testing. Allele origin: germline. Affected: yes. Observed: 5 variant alleles.

GeneDx
Classification: Likely pathogenic. Last evaluated: 2024-03-09. Review status: criteria provided, single submitter. Criteria: GeneDx Variant Classification Process June 2021. Collection method: clinical testing. Allele origin: germline. Affected: yes.
Comment: Published functional studies demonstrate a damaging effect as this variant exhibited significantly reduced ABCA4 expression and basal ATPase activity that was not stimulated by its substrate (PMID: 33375396); Not observed at significant frequency in large population cohorts (gnomAD); In silico analysis supports that this missense variant does not alter protein structure/function; This variant is associated with the following publications: (PMID: 33375396, 11328725, 31456290, 35120629)

PreventionGenetics, part of Exact Sciences
Classification: Pathogenic for ABCA4-related condition. Last evaluated: 2024-07-16. Review status: no assertion criteria provided. Collection method: clinical testing. Allele origin: germline. Not counted in ClinVar's aggregate classification.
Comment: The ABCA4 c.2294G>A variant is predicted to result in the amino acid substitution p.Ser765Asn. This variant has been reported in individuals with Stargardt disease (Webster et al. 2001. PubMed ID: 11328725; Table S2, Sharon et al. 2019. PubMed ID: 31456290; Table S2, Cornelis et al. 2022. PubMed ID: 35120629; Table S1, AlAbdi et al. 2023. PubMed ID: 37644014). Functional studies have shown that the p.Ser765Asn substitution causes a severe decrease in protein activity (Garces et al. 2020. PubMed ID: 33375396). Alternate substitutions of this amino acid residue (p.Ser765Arg and p.Ser765Thr) have also been reported in individuals with Stargardt disease (Table S1, Karali et al. 2022. PubMed ID: 36460718; Table S1, Weisschuh et al. 2020. PubMed ID: 32531858). This variant is absent in the large population database gnomAD, indicating this variant is rare. Given the evidence, we interpret this variant as pathogenic.

Sharon lab, Hadassah-Hebrew University Medical Center
Classification: Likely pathogenic for Stargardt disease. Last evaluated: 2019-06-23. Review status: no assertion criteria provided. Collection method: research. Allele origin: inherited. Affected: yes. Not counted in ClinVar's aggregate classification.

Retina International
No classification provided. Review status: no classification provided. Collection method: not provided. Allele origin: not provided. Not counted in ClinVar's aggregate classification.

Literature cited by the submitters: PubMed 11328725 (cited by Labcorp Genetics (formerly Invitae), Labcorp); PubMed 31456290 (cited by Labcorp Genetics (formerly Invitae), Labcorp); PubMed 33375396 (cited by Labcorp Genetics (formerly Invitae), Labcorp).